The following is an entry in ClinVar:

ClinVar aggregate classification (germline): Uncertain significance (1 of 4 stars; one submission).

Submission:

GeneDx
Classification: Uncertain significance. Last evaluated: 2025-02-20. Review status: criteria provided, single submitter. Criteria: GeneDx Variant Classification Process June 2021. Collection method: clinical testing. Allele origin: germline. Affected: yes.
Comment: Not observed at significant frequency in large population cohorts (gnomAD); In silico analysis indicates that this missense variant does not alter protein structure/function; Has not been previously published as pathogenic or benign to our knowledge

NM_173495.3(PTCHD1):c.505A>C (p.Thr169Pro)

Gene: PTCHD1 (patched domain containing 1; plus strand). Cytogenetic location: Xp22.11.
Variant type: single nucleotide variant.
Coding change: c.505A>C on transcript NM_173495.3 (MANE Select); coding-DNA position 505, A replaced by C.
Protein change: p.Thr169Pro; replaces threonine 169 with proline.
Molecular consequence: missense variant.
Genome position (GRCh38, 1-based): chrX:23,379,744, A>C. VCF-style: chrX-23379744-A-C. GRCh37 (hg19) VCF-style: chrX-23397861-A-C.
Other names: short protein forms T169P.
Identifiers: ClinVar variation 4076885 (VCV004076885.1).
Genomic context (GRCh38, chrX:23,379,744, plus strand): 5'-ATCGTGGATGACATAGTGCACGTCCTGGAAGAGCTAAAGAATGCTCGGGCCACCAATCGG[A>C]CCAATTTTGCTATCACATACCCAATCACTCACTTAAAGGACGGGAGGGCTGTGTACAATG-3'
Protein context (NP_775766.2, residues 159-179): ELKNARATNR[Thr169Pro]NFAITYPITH